The following is an entry in ClinVar:

ClinVar aggregate classification (germline): Uncertain significance (1 of 4 stars; one submission).

Conditions:
Familial thoracic aortic aneurysm and aortic dissection (TAAD). Also called: Thoracic aortic aneurysms and dissections. Identifiers: Orphanet 91387, MedGen C4707243, MONDO:0019625.

Submission:

Labcorp Genetics (formerly Invitae), Labcorp
Classification: Uncertain significance for Familial thoracic aortic aneurysm and aortic dissection. Last evaluated: 2025-12-29. Review status: criteria provided, single submitter. Criteria: Invitae Variant Classification Sherloc (09022015). Collection method: clinical testing. Allele origin: germline.
Comment: This sequence change replaces lysine, which is basic and polar, with glutamic acid, which is acidic and polar, at codon 128 of the TGFBR2 protein (p.Lys128Glu). This variant is not present in population databases (gnomAD no frequency). This variant has not been reported in the literature in individuals affected with TGFBR2-related conditions. Invitae Evidence Modeling of protein sequence and biophysical properties (such as structural, functional, and spatial information, amino acid conservation, physicochemical variation, residue mobility, and thermodynamic stability) indicates that this missense variant is not expected to disrupt TGFBR2 protein function with a negative predictive value of 95%. In summary, the available evidence is currently insufficient to determine the role of this variant in disease. Therefore, it has been classified as a Variant of Uncertain Significance.

NM_003242.6(TGFBR2):c.382A>G (p.Lys128Glu)

Gene: TGFBR2 (transforming growth factor beta receptor 2; plus strand). Cytogenetic location: 3p24.1.
Variant type: single nucleotide variant.
Coding change: c.382A>G on transcript NM_003242.6 (MANE Select); coding-DNA position 382, A replaced by G.
Protein change: p.Lys128Glu; replaces lysine 128 with glutamic acid.
Molecular consequence: missense variant. On other transcripts: intron variant (2).
Genome position (GRCh38, 1-based): chr3:30,650,388, A>G. VCF-style: chr3-30650388-A-G. GRCh37 (hg19) VCF-style: chr3-30691880-A-G.
Other names: c.457A>G, p.Lys153Glu (NM_001024847.3, NM_001407126.1, NM_001407139.1); c.382A>G, p.Lys128Glu (NM_001407127.1, NM_001407130.1); c.409A>G, p.Lys137Glu (NM_001407128.1); c.277A>G, p.Lys93Glu (NM_001407129.1, NM_001407132.1, NM_001407133.1 and 3 more transcripts); c.170-21250A>G (NM_001407137.1); c.95-21250A>G (NM_001407138.1); short protein forms K128E, K137E, K153E, K93E.
Identifiers: ClinVar variation 4805715 (VCV004805715.1).
Genomic context (GRCh38, chr3:30,650,388, plus strand): 5'-TACCATGACTTTATTCTGGAAGATGCTGCTTCTCCAAAGTGCATTATGAAGGAAAAAAAA[A>G]AGCCTGGTGAGACTTTCTTCATGTGTTCCTGTAGCTCTGATGAGTGCAATGACAACATCA-3'
Protein context (NP_003233.4, residues 118-138): SPKCIMKEKK[Lys128Glu]PGETFFMCSC